The following is an entry in ClinVar:

ClinVar aggregate classification (germline): Likely pathogenic (1 of 4 stars; one submission).

Conditions:
Recessive dystrophic epidermolysis bullosa (RDEB). Also called: Hallopeau-Siemens Disease; DYSTROPHIC EPIDERMOLYSIS BULLOSA, AUTOSOMAL RECESSIVE; EPIDERMOLYSIS BULLOSA DYSTROPHICA, HALLOPEAU-SIEMENS TYPE; EPIDERMOLYSIS BULLOSA DYSTROPHICA, GENERALIZED SEVERE, AUTOSOMAL RECESSIVE; epidermolysis bullosa dystrophica, autosomal recessive; Recessive DEB (RDEB). Identifiers: Orphanet 79408, Orphanet 79409, MedGen C0079474, MONDO:0009179, OMIM 226600.
Generalized dominant dystrophic epidermolysis bullosa (DDEB). Also called: DDEB, generalized; DDEB-gen; DYSTROPHIC EPIDERMOLYSIS BULLOSA, AUTOSOMAL DOMINANT; Epidermolysis bullosa dystrophica, autosomal dominant; Dominant DEB (DDEB). Identifiers: Orphanet 231568, MedGen C0432322, MONDO:0007549, OMIM 131750.

Submission:

Laboratorio de Genetica e Diagnostico Molecular, Hospital Israelita Albert Einstein
Classification: Likely pathogenic for Generalized dominant dystrophic epidermolysis bullosa; Recessive dystrophic epidermolysis bullosa. Last evaluated: 2022-02-16. Review status: criteria provided, single submitter. Criteria: ACMG Guidelines, 2015. Collection method: clinical testing. Allele origin: germline. Affected: yes.
Comment: ACMG classification criteria: PS4 supporting, PM2 moderate, PM3 supporting, PP1, PP3 supporting

NM_000094.4(COL7A1):c.5018G>A (p.Gly1673Glu)

Gene: COL7A1 (collagen type VII alpha 1 chain; minus strand). Cytogenetic location: 3p21.31.
Variant type: single nucleotide variant.
Coding change: c.5018G>A on transcript NM_000094.4 (MANE Select); coding-DNA position 5018, G replaced by A.
Protein change: p.Gly1673Glu; replaces glycine 1673 with glutamic acid.
Molecular consequence: missense variant.
Genome position (GRCh38, 1-based): chr3:48,580,615, C>T on the plus strand (G>A on the coding strand, the complement: COL7A1 is on the minus strand). VCF-style: chr3-48580615-C-T. GRCh37 (hg19) VCF-style: chr3-48618048-C-T.
Other names: short protein forms G1673E.
Identifiers: ClinVar variation 1683661 (VCV001683661.2), dbSNP rs2107706848, ClinGen allele CA352679773.